The following is an entry in ClinVar:

NM_001378778.1(MPDZ):c.2566C>T (p.Gln856Ter)

Gene: MPDZ (multiple PDZ domain crumbs cell polarity complex component; minus strand). Cytogenetic location: 9p23.
Variant type: single nucleotide variant.
Coding change: c.2566C>T on transcript NM_001378778.1 (MANE Select); coding-DNA position 2566, C replaced by T.
Protein change: p.Gln856Ter; replaces glutamine 856 with a stop codon.
Molecular consequence: nonsense.
Genome position (GRCh38, 1-based): chr9:13,183,501, G>A on the plus strand (C>T on the coding strand, the complement: MPDZ is on the minus strand). VCF-style: chr9-13183501-G-A. GRCh37 (hg19) VCF-style: chr9-13183500-G-A.
Other names: c.2566C>T, p.Gln856Ter (NM_001375421.1, NM_001375422.1, NM_001375423.1 and 14 more transcripts); short protein forms Q856*.
Identifiers: ClinVar variation 2989774 (VCV002989774.5), dbSNP rs748629721, ClinGen allele CA4987417.

ClinVar aggregate classification (germline): Pathogenic/Likely pathogenic. Review status: criteria provided, multiple submitters, no conflicts (2 of 4 stars). 2 submissions from 2 submitters: Pathogenic (1); Likely pathogenic (1). Last evaluated 2024-05-27.

Conditions:
Hydrocephalus, nonsyndromic, autosomal recessive 2. Also called: Hydrocephalus, congenital, 2, with or without brain or eye anomalies. Identifiers: Orphanet 2185, MedGen C3554691, MONDO:0014085, OMIM 615219.

Allele frequency attached by ClinVar (database versions not stated): TOPMed 0.00002.
gnomAD v4.1: 6 of 1,612,404 alleles (0.00037%); highest among the groups gnomAD compares: East Asian, 0.0067%; no homozygotes.

Submissions (2):

Labcorp Genetics (formerly Invitae), Labcorp
Classification: Pathogenic. Last evaluated: 2024-05-27. Review status: criteria provided, single submitter. Criteria: Invitae Variant Classification Sherloc (09022015). Collection method: clinical testing. Allele origin: germline.
Comment: This sequence change creates a premature translational stop signal (p.Gln856*) in the MPDZ gene. It is expected to result in an absent or disrupted protein product. Loss-of-function variants in MPDZ are known to be pathogenic (PMID: 23240096, 28556411). This variant is present in population databases (rs748629721, gnomAD 0.04%). This variant has not been reported in the literature in individuals affected with MPDZ-related conditions. For these reasons, this variant has been classified as Pathogenic.

Juno Genomics, Hangzhou Juno Genomics, Inc
Classification: Likely pathogenic for Hydrocephalus, nonsyndromic, autosomal recessive 2. Review status: criteria provided, single submitter. Criteria: ACMG Guidelines, 2015. Collection method: clinical testing. Allele origin: germline.
Comment: Null variant in a gene where loss of function (LOF) is a known mechanism of disease.;Absent from controls (or at extremely low frequency if recessive) in Genome Aggregation Database.

Literature cited by the submitters: PubMed 23240096 (cited by Labcorp Genetics (formerly Invitae), Labcorp); PubMed 28556411 (cited by Labcorp Genetics (formerly Invitae), Labcorp).